The following is an entry in ClinVar:

NM_177398.4(LMX1A):c.938G>A (p.Arg313Gln)

Genes: LMX1A (LIM homeobox transcription factor 1 alpha; minus strand), LMX1A-AS2 (LMX1A antisense RNA 2; plus strand). Cytogenetic location: 1q23.3.
Variant type: single nucleotide variant.
Coding change: c.938G>A on transcript NM_177398.4 (MANE Select); coding-DNA position 938, G replaced by A.
Protein change: p.Arg313Gln; replaces arginine 313 with glutamine.
Molecular consequence: missense variant.
Genome position (GRCh38, 1-based): chr1:165,205,914, C>T on the plus strand (G>A on the coding strand, the complement: LMX1A is on the minus strand). VCF-style: chr1-165205914-C-T. GRCh37 (hg19) VCF-style: chr1-165175151-C-T.
Other names: c.938G>A, p.Arg313Gln (NM_001174069.2); c.938G>A (NM_177398.3); short protein forms R313Q.
Identifiers: ClinVar variation 2636020 (VCV002636020.3), dbSNP rs768850154, ClinGen allele CA1219656.
Genomic context (GRCh38, chr1:165,205,914, plus strand): 5'-TCCCTCTTACCATAAGGGTGCATGTGGTCTCCAGGCATCTGGGGTGGGGTGAGACCCTGT[C>T]GGAAGGGATCTGAGCTGTAGACACTCTGCTCGATGGCCAGGAGCTGCTGTGGGGTGGGCA-3'
Protein context (NP_796372.1, residues 303-323): EQSVYSSDPF[Arg313Gln]QGLTPPQMPG

ClinVar aggregate classification (germline): Uncertain significance. Review status: criteria provided, multiple submitters, no conflicts (2 of 4 stars). 2 submissions from 2 submitters: Uncertain significance (2). Last evaluated 2025-08-14.

Conditions:
LMX1A-related disorder. Also called: LMX1A-related condition.

Allele frequency attached by ClinVar (database versions not stated): gnomAD 0.00001; ExAC 0.00002; TOPMed 0.00002.
gnomAD v4.1: 30 of 1,613,852 alleles (0.0019%); highest among the groups gnomAD compares: Middle Eastern, 0.033%; no homozygotes.

Submissions (2):

PreventionGenetics, part of Exact Sciences
Classification: Uncertain significance for LMX1A-related condition. Last evaluated: 2025-08-14. Review status: criteria provided, single submitter. Criteria: ACMG Guidelines, 2015. Collection method: clinical testing. Allele origin: germline.
Comment: The LMX1A c.938G>A variant is predicted to result in the amino acid substitution p.Arg313Gln. To our knowledge, this variant has not been reported in the literature. This variant is reported in 0.0026% of alleles in individuals of European (Non-Finnish) descent in gnomAD. At this time, the clinical significance of this variant is uncertain due to the absence of conclusive functional and genetic evidence.

Ambry Genetics
Classification: Uncertain significance. Last evaluated: 2025-02-19. Review status: criteria provided, single submitter. Criteria: Ambry Variant Classification Scheme 2023. Collection method: clinical testing. Allele origin: germline.